The following is an entry in ClinVar:

NM_000702.4(ATP1A2):c.586C>T (p.Arg196Cys)

Genes: ATP1A2 (ATPase Na+/K+ transporting subunit alpha 2; plus strand), LOC126805890 (CDK7 strongly-dependent group 2 enhancer GRCh37_chr1:160093987-160095186; plus strand). Cytogenetic location: 1q23.2.
Variant type: single nucleotide variant.
Coding change: c.586C>T on transcript NM_000702.4 (MANE Select); coding-DNA position 586, C replaced by T.
Protein change: p.Arg196Cys; replaces arginine 196 with cysteine.
Molecular consequence: missense variant.
Genome position (GRCh38, 1-based): chr1:160,124,386, C>T. VCF-style: chr1-160124386-C-T. GRCh37 (hg19) VCF-style: chr1-160094176-C-T.
Other names: short protein forms R196C.
Identifiers: ClinVar variation 662679 (VCV000662679.15), dbSNP rs753517155, ClinGen allele CA1194216.

ClinVar aggregate classification (germline): Uncertain significance. Review status: criteria provided, multiple submitters, no conflicts (2 of 4 stars). 3 submissions from 3 submitters: Uncertain significance (3). Last evaluated 2026-03-25.

Conditions:
Inborn genetic diseases. Identifiers: MedGen C0950123, MeSH D030342.
Familial hemiplegic migraine. Identifiers: MedGen C0338484, MONDO:0000700.

Allele frequency attached by ClinVar (database versions not stated): gnomAD exomes 0.00001 and 0.00002; ExAC 0.00003; gnomAD 0.00001; TOPMed 0.00001.
gnomAD v4.1: 16 of 1,612,256 alleles (0.00099%); highest among the groups gnomAD compares: African/African-American, 0.004%; no homozygotes.

Submissions (3):

Dasa
Classification: Uncertain significance. Last evaluated: 2026-03-25. Review status: criteria provided, single submitter. Criteria: DASA Assertion Criteria. Collection method: clinical testing. Allele origin: germline.
Comment: NM_000702.4(ATP1A2):c.586C>T (p.Arg196Cys) is a missense variant that results in the substitution of arginine with cysteine. This variant has been recurrently observed in individuals with ATP1A2-related disorders (PMID: 31440721; PMID: 29062094). Also, this variant is rare in population databases. Computational prediction algorithms are consistent with a deleterious effect. The currently available literature and clinical evidence are not sufficient to establish a definitive association between this variant and the reported condition. Therefore, this variant is classified as a variant of uncertain significance.

Labcorp Genetics (formerly Invitae), Labcorp
Classification: Uncertain significance for Familial hemiplegic migraine. Last evaluated: 2024-04-05. Review status: criteria provided, single submitter. Criteria: Invitae Variant Classification Sherloc (09022015). Collection method: clinical testing. Allele origin: germline.
Comment: This sequence change replaces arginine, which is basic and polar, with cysteine, which is neutral and slightly polar, at codon 196 of the ATP1A2 protein (p.Arg196Cys). This variant is present in population databases (rs753517155, gnomAD 0.008%). This missense change has been observed in individual(s) with clinical features of ATP1A2-related conditions (PMID: 29062094; Invitae). ClinVar contains an entry for this variant (Variation ID: 662679). Advanced modeling of protein sequence and biophysical properties (such as structural, functional, and spatial information, amino acid conservation, physicochemical variation, residue mobility, and thermodynamic stability) has been performed at Invitae for this missense variant, however the output from this modeling did not meet the statistical confidence thresholds required to predict the impact of this variant on ATP1A2 protein function. In summary, the available evidence is currently insufficient to determine the role of this variant in disease. Therefore, it has been classified as a Variant of Uncertain Significance.

Ambry Genetics
Classification: Uncertain significance for Inborn genetic diseases. Last evaluated: 2017-11-13. Review status: criteria provided, single submitter. Criteria: Ambry Variant Classification Scheme 2023. Collection method: clinical testing. Allele origin: germline.
Comment: The p.R196C variant (also known as c.586C>T), located in coding exon 6 of the ATP1A2 gene, results from a C to T substitution at nucleotide position 586. The arginine at codon 196 is replaced by cysteine, an amino acid with highly dissimilar properties. In one study, this alteration was detected in an individual with clinically-diagnosed episodic ataxia (Choi KD et al. Sci Rep, 2017 Oct;7:13855). This amino acid position is highly conserved in available vertebrate species. In addition, this alteration is predicted to be deleterious by in silico analysis. Since supporting evidence is limited at this time, the clinical significance of this alteration remains unclear.

Literature cited by the submitters: PubMed 31440721 (cited by Dasa); PubMed 29062094 (cited by 3 submitters).